The following is an entry in ClinVar:

ClinVar aggregate classification (germline): Uncertain significance (1 of 4 stars; one submission).

Conditions:
Hereditary cancer-predisposing syndrome. Also called: Hereditary neoplastic syndrome; Hereditary Cancer Syndrome; Neoplastic Syndromes, Hereditary; Tumor predisposition. Identifiers: Orphanet 140162, MedGen C0027672, MeSH D009386, MONDO:0015356.

Submission:

Ambry Genetics
Classification: Uncertain significance for Hereditary cancer-predisposing syndrome. Last evaluated: 2023-04-18. Review status: criteria provided, single submitter. Criteria: Ambry Variant Classification Scheme 2023. Collection method: clinical testing. Allele origin: germline.
Comment: The p.D1558Y variant (also known as c.4672G>T), located in coding exon 15 of the APC gene, results from a G to T substitution at nucleotide position 4672. The aspartic acid at codon 1558 is replaced by tyrosine, an amino acid with highly dissimilar properties. This amino acid position is conserved. In addition, in silico predictors for this gene do not accurately predict pathogenicity. Since supporting evidence is limited at this time, the clinical significance of this alteration remains unclear.

NM_000038.6(APC):c.4672G>T (p.Asp1558Tyr)

Gene: APC (APC regulator of Wnt signaling pathway; plus strand). Cytogenetic location: 5q22.2.
Variant type: single nucleotide variant.
Coding change: c.4672G>T on transcript NM_000038.6 (MANE Select); coding-DNA position 4672, G replaced by T.
Protein change: p.Asp1558Tyr; replaces aspartic acid 1558 with tyrosine.
Molecular consequence: missense variant. On other transcripts: non-coding transcript variant (2).
Genome position (GRCh38, 1-based): chr5:112,840,266, G>T. VCF-style: chr5-112840266-G-T. GRCh37 (hg19) VCF-style: chr5-112175963-G-T.
Other names: c.4672G>T, p.Asp1558Tyr (NM_001127510.3, NM_001354895.2, NM_001407450.1); c.4618G>T, p.Asp1540Tyr (NM_001127511.3); c.4726G>T, p.Asp1576Tyr (NM_001354896.2, NM_001407447.1, NM_001407448.1 and 1 more transcripts); c.4702G>T, p.Asp1568Tyr (NM_001354897.2); c.4597G>T, p.Asp1533Tyr (NM_001354898.2); c.4588G>T, p.Asp1530Tyr (NM_001354899.2); c.4549G>T, p.Asp1517Tyr (NM_001354900.2); c.4495G>T, p.Asp1499Tyr (NM_001354901.2, NM_001407453.1); and 11 more; short protein forms D1174Y, D1275Y, D1540Y, D1398Y, D1432Y, D1457Y, D1475Y, D1499Y.
Identifiers: ClinVar variation 2566978 (VCV002566978.2), dbSNP rs2149920803, ClinGen allele CA16031573.